The following is an entry in ClinVar:

NM_032119.4(ADGRV1):c.754A>G (p.Ile252Val)

Gene: ADGRV1 (adhesion G protein-coupled receptor V1; plus strand). Cytogenetic location: 5q14.3.
Variant type: single nucleotide variant.
Coding change: c.754A>G on transcript NM_032119.4 (MANE Select); coding-DNA position 754, A replaced by G.
Protein change: p.Ile252Val; replaces isoleucine 252 with valine.
Molecular consequence: missense variant. On other transcripts: non-coding transcript variant (1).
Genome position (GRCh38, 1-based): chr5:90,627,292, A>G. VCF-style: chr5-90627292-A-G. GRCh37 (hg19) VCF-style: chr5-89923109-A-G.
Other names: c.754A>G (NM_032119.3); short protein forms I252V.
Identifiers: ClinVar variation 501964 (VCV000501964.14), dbSNP rs1299020576, ClinGen allele CA360365661.

ClinVar aggregate classification (germline): Conflicting classifications of pathogenicity. Review status: criteria provided, conflicting classifications (1 of 4 stars). 4 submissions from 4 submitters: Uncertain significance (2); Likely benign (2). Last evaluated 2025-03-26.

Conditions:
Inborn genetic diseases. Identifiers: MedGen C0950123, MeSH D030342.

Allele frequency attached by ClinVar (database versions not stated): gnomAD exomes 0.00001; TOPMed 0.00002.
gnomAD v4.1: 4 of 1,612,304 alleles (0.00025%); highest among the groups gnomAD compares: Admixed American, 0.0067%; no homozygotes.

Submissions (4):

Labcorp Genetics (formerly Invitae), Labcorp
Classification: Likely benign. Last evaluated: 2025-03-26. Review status: criteria provided, single submitter. Criteria: Invitae Variant Classification Sherloc (09022015). Collection method: clinical testing. Allele origin: germline.

Ambry Genetics
Classification: Likely benign for Inborn genetic diseases. Last evaluated: 2025-03-05. Review status: criteria provided, single submitter. Criteria: Ambry Variant Classification Scheme 2023. Collection method: clinical testing. Allele origin: germline.

GeneDx
Classification: Uncertain significance. Last evaluated: 2024-12-20. Review status: criteria provided, single submitter. Criteria: GeneDx Variant Classification Process June 2021. Collection method: clinical testing. Allele origin: germline. Affected: yes.
Comment: Not observed at significant frequency in large population cohorts (gnomAD); In silico analysis indicates that this missense variant does not alter protein structure/function; Has not been previously published as pathogenic or benign to our knowledge

Eurofins Ntd Llc (ga)
Classification: Uncertain significance. Last evaluated: 2017-05-12. Review status: criteria provided, single submitter. Criteria: EGL Classification Definitions 2015. Collection method: clinical testing. Allele origin: germline. Observed: 1 variant allele, 1 heterozygote.